The following is an entry in ClinVar:

ClinVar aggregate classification (germline): Pathogenic (1 of 4 stars; one submission).

Conditions:
Androgen resistance syndrome (AIS). Also called: Androgen insensitivity, complete; Androgen insensitivity syndrome due to coactivator deficiency; Androgen insensitivity syndrome; Androgen insensitivity; ANDROGEN RECEPTOR DEFICIENCY; DIHYDROTESTOSTERONE RECEPTOR DEFICIENCY. Identifiers: Orphanet 754, Orphanet 99429, MedGen C0039585, MONDO:0019154, OMIM 300068. Disease mechanism: loss of function.
Kennedy disease (SMAX1). Also called: Spinal and Bulbar Muscular Atrophy; SPINAL AND BULBAR MUSCULAR ATROPHY, X-LINKED 1; KENNEDY SPINAL AND BULBAR MUSCULAR ATROPHY. Identifiers: Orphanet 481, MedGen C1839259, MONDO:0010735, OMIM 313200.

Submission:

Labcorp Genetics (formerly Invitae), Labcorp
Classification: Pathogenic for Kennedy disease; Androgen resistance syndrome. Last evaluated: 2023-10-17. Review status: criteria provided, single submitter. Criteria: Invitae Variant Classification Sherloc (09022015). Collection method: clinical testing. Allele origin: germline.
Comment: This variant results in a copy number gain of the genomic region encompassing exon(s) 2-3 of the AR gene. While the exact position of this variant cannot be determined from the data, sub-genic copy number gains are generally in tandem (PMID: 25640679). This variant is predicted to be out-of-frame, and may result in an absent or disrupted protein product. Loss-of-function variants in AR are known to be pathogenic (PMID: 19463997). A similar copy number variant has been observed in individual(s) with complete androgen insensitivity syndrome (Invitae). For these reasons, this variant has been classified as Pathogenic.

Literature cited by the submitters: PubMed 25640679; PubMed 19463997.

NC_000023.10:g.(?_66863078)_(66905988_?)dup

Gene: AR (androgen receptor; plus strand). Cytogenetic location: Xq12.
Variant type: Duplication.
Identifiers: ClinVar variation 650707 (VCV000650707.8).